The following is an entry in ClinVar:

ClinVar aggregate classification (germline): Likely pathogenic (1 of 4 stars; one submission).

Allele frequency attached by ClinVar (database versions not stated): gnomAD 0.00001; TOPMed 0.00001; 1000 Genomes Project 30x 0.00016; 1000 Genomes Project 0.00020.
gnomAD v4.1: 19 of 1,613,938 alleles (0.0012%); highest among the groups gnomAD compares: South Asian, 0.013%; no homozygotes.

Submission:

Labcorp Genetics (formerly Invitae), Labcorp
Classification: Likely pathogenic. Last evaluated: 2023-12-01. Review status: criteria provided, single submitter. Criteria: Invitae Variant Classification Sherloc (09022015). Collection method: clinical testing. Allele origin: germline.
Comment: This sequence change replaces arginine, which is basic and polar, with glutamine, which is neutral and polar, at codon 175 of the TPO protein (p.Arg175Gln). This variant is present in population databases (rs571832933, gnomAD 0.02%). This missense change has been observed in individual(s) with clinical features of thyroid dyshormonogenesis (PMID: 24790296). In at least one individual the data is consistent with being in trans (on the opposite chromosome) from a pathogenic variant. It has also been observed to segregate with disease in related individuals. ClinVar contains an entry for this variant (Variation ID: 331307). Advanced modeling of protein sequence and biophysical properties (such as structural, functional, and spatial information, amino acid conservation, physicochemical variation, residue mobility, and thermodynamic stability) has been performed at Invitae for this missense variant, however the output from this modeling did not meet the statistical confidence thresholds required to predict the impact of this variant on TPO protein function. Experimental studies have shown that this missense change affects TPO function (PMID: 15279913, 24790296). In summary, the currently available evidence indicates that the variant is pathogenic, but additional data are needed to prove that conclusively. Therefore, this variant has been classified as Likely Pathogenic.

Literature cited by the submitters: PubMed 24790296; PubMed 15279913.

NM_001206744.2(TPO):c.524G>A (p.Arg175Gln)

Gene: TPO (thyroid peroxidase; plus strand). Cytogenetic location: 2p25.3.
Variant type: single nucleotide variant.
Coding change: c.524G>A on transcript NM_001206744.2 (MANE Select); coding-DNA position 524, G replaced by A.
Protein change: p.Arg175Gln; replaces arginine 175 with glutamine.
Molecular consequence: missense variant.
Genome position (GRCh38, 1-based): chr2:1,453,735, G>A. VCF-style: chr2-1453735-G-A. GRCh37 (hg19) VCF-style: chr2-1457507-G-A.
Other names: c.524G>A, p.Arg175Gln (NM_000547.6, NM_001206745.2, NM_175719.4 and 2 more transcripts); short protein forms R175Q.
Identifiers: ClinVar variation 331307 (VCV000331307.8), dbSNP rs571832933, ClinGen allele CA1511474.